The following is an entry in ClinVar:

ClinVar aggregate classification (germline): Uncertain significance (1 of 4 stars; one submission).

Allele frequency attached by ClinVar (database versions not stated): TOPMed below 0.00001; gnomAD exomes 0.00001.
gnomAD v4.1: 3 of 1,614,222 alleles (0.00019%); highest among the groups gnomAD compares: Admixed American, 0.005%; no homozygotes.

Submission:

Labcorp Genetics (formerly Invitae), Labcorp
Classification: Uncertain significance. Last evaluated: 2022-03-01. Review status: criteria provided, single submitter. Criteria: Invitae Variant Classification Sherloc (09022015). Collection method: clinical testing. Allele origin: germline.
Comment: This sequence change replaces histidine, which is basic and polar, with tyrosine, which is neutral and polar, at codon 97 of the TPP1 protein (p.His97Tyr). This variant is present in population databases (no rsID available, gnomAD 0.006%). This variant has not been reported in the literature in individuals affected with TPP1-related conditions. Advanced modeling of protein sequence and biophysical properties (such as structural, functional, and spatial information, amino acid conservation, physicochemical variation, residue mobility, and thermodynamic stability) performed at Invitae indicates that this missense variant is not expected to disrupt TPP1 protein function. In summary, the available evidence is currently insufficient to determine the role of this variant in disease. Therefore, it has been classified as a Variant of Uncertain Significance.

NM_000391.4(TPP1):c.289C>T (p.His97Tyr)

Gene: TPP1 (tripeptidyl peptidase 1; minus strand). Cytogenetic location: 11p15.4.
Variant type: single nucleotide variant.
Coding change: c.289C>T on transcript NM_000391.4 (MANE Select); coding-DNA position 289, C replaced by T.
Protein change: p.His97Tyr; replaces histidine 97 with tyrosine.
Molecular consequence: missense variant.
Genome position (GRCh38, 1-based): chr11:6,617,717, G>A on the plus strand (C>T on the coding strand, the complement: TPP1 is on the minus strand). VCF-style: chr11-6617717-G-A. GRCh37 (hg19) VCF-style: chr11-6638948-G-A.
Other names: short protein forms H97Y.
Identifiers: ClinVar variation 1404406 (VCV001404406.5), dbSNP rs1341517000, ClinGen allele CA379476476.